The following is an entry in ClinVar:

ClinVar aggregate classification (germline): Likely benign. Review status: criteria provided, multiple submitters, no conflicts (2 of 4 stars). 7 submissions from 7 submitters: Likely benign (7). Last evaluated 2026-09-01.

Conditions:
Inborn genetic diseases. Identifiers: MedGen C0950123, MeSH D030342.
ATL3-related disorder. Also called: ATL3-related condition.
Neuropathy, hereditary sensory, type 1F. Also called: Hereditary sensory neuropathy type IF; HSN IF. Identifiers: Orphanet 36386, MedGen C3810194, MONDO:0014286, OMIM 615632.

Allele frequency attached by ClinVar (database versions not stated): ESP Exome Variant Server 0.00040; ExAC 0.00055; gnomAD exomes 0.00062 and 0.00120; 1000 Genomes Project 30x 0.00078; gnomAD 0.00081 and 0.00084; TOPMed 0.00084; 1000 Genomes Project 0.00100.
gnomAD v4.1: 1,875 of 1,612,034 alleles (0.12%); highest among the groups gnomAD compares: Non-Finnish European, 0.14%; 5 homozygotes.

Submissions (7):

CeGaT Center for Human Genetics Tuebingen
Classification: Likely benign. Last evaluated: 2026-09-01. Review status: criteria provided, single submitter. Criteria: CeGaT Center For Human Genetics Tuebingen Variant Classification Criteria Version 2. Collection method: clinical testing. Allele origin: germline. Affected: yes. Observed: 5 variant alleles.
Comment: ATL3: BP4, BP7

Labcorp Genetics (formerly Invitae), Labcorp
Classification: Likely benign for Neuropathy, hereditary sensory, type 1F. Last evaluated: 2026-01-12. Review status: criteria provided, single submitter. Criteria: Invitae Variant Classification Sherloc (09022015). Collection method: clinical testing. Allele origin: germline.

Mayo Clinic Laboratories, Mayo Clinic
Classification: Likely benign. Last evaluated: 2025-11-27. Review status: criteria provided, single submitter. Criteria: ACMG Guidelines, 2015. Collection method: clinical testing. Allele origin: germline. Observed: 1 variant allele.
Comment: BS2, BP4, BP7

PreventionGenetics, part of Exact Sciences
Classification: Likely benign for ATL3-related condition. Last evaluated: 2025-10-19. Review status: criteria provided, single submitter. Criteria: ACMG Guidelines, 2015. Collection method: clinical testing. Allele origin: germline.
Comment: This variant is classified as likely benign based on ACMG/AMP sequence variant interpretation guidelines (Richards et al. 2015 PMID: 25741868, with internal and published modifications).

Blueprint Genetics
Classification: Likely benign. Last evaluated: 2024-11-21. Review status: criteria provided, single submitter. Criteria: ACMG Guidelines, 2015. Collection method: clinical testing. Allele origin: germline.

Ambry Genetics
Classification: Likely benign for Inborn genetic diseases. Last evaluated: 2019-07-11. Review status: criteria provided, single submitter. Criteria: Ambry Variant Classification Scheme 2023. Collection method: clinical testing. Allele origin: germline.

Breakthrough Genomics
Classification: Likely benign. Review status: criteria provided, single submitter. Criteria: ACMG Guidelines, 2015. Collection method: not provided. Allele origin: germline. Inheritance: Autosomal dominant inheritance. Affected: yes.

NM_015459.5(ATL3):c.1521C>T (p.Ala507=)

Genes: ATL3 (atlastin GTPase 3; minus strand), LNCROPM (lncRNA regulator of PLAAT3 mediated phospholipid metabolism; plus strand). Cytogenetic location: 11q13.1.
Variant type: single nucleotide variant.
Coding change: c.1521C>T on transcript NM_015459.5 (MANE Select); coding-DNA position 1521, C replaced by T.
Protein change: p.Ala507=; no amino-acid change (alanine 507 retained).
Molecular consequence: synonymous variant.
Genome position (GRCh38, 1-based): chr11:63,631,058, G>A on the plus strand (C>T on the coding strand, the complement: ATL3 is on the minus strand). VCF-style: chr11-63631058-G-A. GRCh37 (hg19) VCF-style: chr11-63398530-G-A.
Other names: p.Ala507=; c.1467C>T, p.Ala489= (NM_001290048.2).
Identifiers: ClinVar variation 474836 (VCV000474836.38), dbSNP rs200026815, ClinGen allele CA6063505.